The following is an entry in ClinVar:

ClinVar aggregate classification (germline): Pathogenic. Review status: criteria provided, multiple submitters, no conflicts (2 of 4 stars). 4 submissions from 4 submitters: Pathogenic (4). Last evaluated 2024-01-11.

Conditions:
Ataxia-telangiectasia syndrome (AT). Also called: LOUIS-BAR SYNDROME; Cerebello-oculocutaneous telangiectasia; Immunodeficiency with ataxia telangiectasia; Ataxia-telangiectasia, complementation group D; AT, COMPLEMENTATION GROUP C; Ataxia-telangiectasia. Identifiers: Orphanet 100, MedGen C0004135, MONDO:0008840, OMIM 208900.
Familial cancer of breast. Also called: BREAST CANCER, FAMILIAL; hereditary breast carcinoma; Hereditary breast cancer. Identifiers: Orphanet 227535, MedGen C0346153, MONDO:0016419, OMIM 114480. Disease mechanism: loss of function.

Allele frequency attached by ClinVar (database versions not stated): gnomAD exomes below 0.00001.
gnomAD v4.1: 1 of 1,613,776 alleles (0.000062%); highest among the groups gnomAD compares: Non-Finnish European, 0.000085%; no homozygotes.

Submissions (4):

Labcorp Genetics (formerly Invitae), Labcorp
Classification: Pathogenic for Ataxia-telangiectasia syndrome. Last evaluated: 2024-01-11. Review status: criteria provided, single submitter. Criteria: Invitae Variant Classification Sherloc (09022015). Collection method: clinical testing. Allele origin: germline.
Comment: This sequence change creates a premature translational stop signal (p.Gln162*) in the ATM gene. It is expected to result in an absent or disrupted protein product. Loss-of-function variants in ATM are known to be pathogenic (PMID: 23807571, 25614872). This variant is not present in population databases (gnomAD no frequency). This premature translational stop signal has been observed in individual(s) with ataxia telangectasia (PMID: 9600235). ClinVar contains an entry for this variant (Variation ID: 565865). Algorithms developed to predict the effect of sequence changes on RNA splicing suggest that this variant may disrupt the consensus splice site. For these reasons, this variant has been classified as Pathogenic.

Baylor Genetics
Classification: Pathogenic for Familial cancer of breast. Last evaluated: 2023-08-11. Review status: criteria provided, single submitter. Criteria: ACMG Guidelines, 2015. Collection method: clinical testing. Allele origin: unknown.

Women's Health and Genetics/Laboratory Corporation of America, LabCorp
Classification: Pathogenic for Ataxia-telangiectasia syndrome. Last evaluated: 2022-07-14. Review status: criteria provided, single submitter. Criteria: LabCorp Variant Classification Summary - May 2015. Collection method: clinical testing. Allele origin: germline.
Comment: Variant summary: ATM c.484C>T (p.Gln162X) results in a premature termination codon, predicted to cause a truncation of the encoded protein or absence of the protein due to nonsense mediated decay, which are commonly known mechanisms for disease. Truncations downstream of this position have been classified as pathogenic by our laboratory. The variant was absent in 251328 control chromosomes (gnomAD). c.484C>T has been reported in the literature in at least two compound heterozygous individuals affected with Ataxia-Telangiectasia (e.g.Ejima_1998, Verhagen_2012). These data indicate that the variant is likely associated with disease. To our knowledge, no experimental evidence demonstrating an impact on protein function has been reported. Two clinical diagnostic laboratories have submitted clinical-significance assessments for this variant to ClinVar after 2014 without evidence for independent evaluation. Both laboratories classified the variant as pathogenic. Based on the evidence outlined above, the variant was classified as pathogenic.

CeGaT Center for Human Genetics Tuebingen
Classification: Pathogenic. Last evaluated: 2018-10-01. Review status: criteria provided, single submitter. Criteria: CeGaT Center For Human Genetics Tuebingen Variant Classification Criteria Version 2. Collection method: clinical testing. Allele origin: germline. Affected: yes. Observed: 1 variant allele.

Literature cited by the submitters: PubMed 23807571 (cited by Labcorp Genetics (formerly Invitae), Labcorp); PubMed 25614872 (cited by Labcorp Genetics (formerly Invitae), Labcorp); PubMed 9600235 (cited by Labcorp Genetics (formerly Invitae), Labcorp and Women's Health and Genetics/Laboratory Corporation of America, LabCorp); PubMed 22213089 (cited by Women's Health and Genetics/Laboratory Corporation of America, LabCorp).

NM_000051.4(ATM):c.484C>T (p.Gln162Ter)

Gene: ATM (ATM serine/threonine kinase; plus strand). Cytogenetic location: 11q22.3.
Variant type: single nucleotide variant.
Coding change: c.484C>T on transcript NM_000051.4 (MANE Select); coding-DNA position 484, C replaced by T.
Protein change: p.Gln162Ter; replaces glutamine 162 with a stop codon.
Molecular consequence: nonsense.
Genome position (GRCh38, 1-based): chr11:108,235,822, C>T. VCF-style: chr11-108235822-C-T. GRCh37 (hg19) VCF-style: chr11-108106549-C-T.
Other names: c.484C>T, p.Gln162Ter (NM_001351834.2); short protein forms Q162*.
Identifiers: ClinVar variation 565865 (VCV000565865.51), dbSNP rs1565357383, ClinGen allele CA382525668.